The following is an entry in ClinVar:

NM_033109.5(PNPT1):c.181G>C (p.Gly61Arg)

Gene: PNPT1 (polyribonucleotide nucleotidyltransferase 1; minus strand). Cytogenetic location: 2p16.1.
Variant type: single nucleotide variant.
Coding change: c.181G>C on transcript NM_033109.5 (MANE Select); coding-DNA position 181, G replaced by C.
Protein change: p.Gly61Arg; replaces glycine 61 with arginine.
Molecular consequence: missense variant.
Genome position (GRCh38, 1-based): chr2:55,687,686, C>G on the plus strand (G>C on the coding strand, the complement: PNPT1 is on the minus strand). VCF-style: chr2-55687686-C-G. GRCh37 (hg19) VCF-style: chr2-55914821-C-G.
Other names: short protein forms G61R.
Identifiers: ClinVar variation 3709890 (VCV003709890.2).

ClinVar aggregate classification (germline): Uncertain significance (1 of 4 stars; one submission).

Submission:

Labcorp Genetics (formerly Invitae), Labcorp
Classification: Uncertain significance. Last evaluated: 2024-08-14. Review status: criteria provided, single submitter. Criteria: Invitae Variant Classification Sherloc (09022015). Collection method: clinical testing. Allele origin: germline.
Comment: This sequence change replaces glycine, which is neutral and non-polar, with arginine, which is basic and polar, at codon 61 of the PNPT1 protein (p.Gly61Arg). This variant is present in population databases (rs762070317, gnomAD 0.002%). This variant has not been reported in the literature in individuals affected with PNPT1-related conditions. Invitae Evidence Modeling of protein sequence and biophysical properties (such as structural, functional, and spatial information, amino acid conservation, physicochemical variation, residue mobility, and thermodynamic stability) indicates that this missense variant is expected to disrupt PNPT1 protein function with a positive predictive value of 80%. In summary, the available evidence is currently insufficient to determine the role of this variant in disease. Therefore, it has been classified as a Variant of Uncertain Significance.